The following is an entry in ClinVar:

NM_001388308.1(KIF12):c.870C>T (p.Ser290=)

Gene: KIF12 (kinesin family member 12; minus strand). Cytogenetic location: 9q32.
Variant type: single nucleotide variant.
Coding change: c.870C>T on transcript NM_001388308.1 (MANE Select); coding-DNA position 870, C replaced by T.
Protein change: p.Ser290=; no amino-acid change (serine 290 retained).
Molecular consequence: synonymous variant.
Genome position (GRCh38, 1-based): chr9:114,096,076, G>A on the plus strand (C>T on the coding strand, the complement: KIF12 is on the minus strand). VCF-style: chr9-114096076-G-A. GRCh37 (hg19) VCF-style: chr9-116858356-G-A.
Other names: c.456C>T, p.Ser152= (NM_138424.2).
Identifiers: ClinVar variation 4977581 (VCV004977581.1).

ClinVar aggregate classification (germline): Likely benign (1 of 4 stars; one submission).

Conditions:
KIF12-related disorder. Also called: KIF12-related condition.

gnomAD v4.1: 23 of 1,613,254 alleles (0.0014%); highest among the groups gnomAD compares: African/African-American, 0.028%; no homozygotes.

Submission:

PreventionGenetics, part of Exact Sciences
Classification: Likely benign for KIF12-related condition. Last evaluated: 2026-01-08. Review status: criteria provided, single submitter. Criteria: ACMG Guidelines, 2015. Collection method: clinical testing. Allele origin: germline.
Comment: This variant is classified as likely benign based on ACMG/AMP sequence variant interpretation guidelines (Richards et al. 2015 PMID: 25741868, with internal and published modifications).